The following is an entry in ClinVar:

ClinVar aggregate classification (germline): Uncertain significance (1 of 4 stars; one submission).

Conditions:
Hereditary cancer-predisposing syndrome. Also called: Tumor predisposition; Hereditary Cancer Syndrome; Hereditary neoplastic syndrome; Neoplastic Syndromes, Hereditary. Identifiers: Orphanet 140162, MedGen C0027672, MeSH D009386, MONDO:0015356.

Submission:

Ambry Genetics
Classification: Uncertain significance for Hereditary cancer-predisposing syndrome. Last evaluated: 2024-03-07. Review status: criteria provided, single submitter. Criteria: Ambry Variant Classification Scheme 2023. Collection method: clinical testing. Allele origin: germline.
Comment: The p.S2209P variant (also known as c.6625T>C), located in coding exon 45 of the ATM gene, results from a T to C substitution at nucleotide position 6625. The serine at codon 2209 is replaced by proline, an amino acid with similar properties. This amino acid position is conserved. In addition, this alteration is predicted to be deleterious by in silico analysis. Based on the available evidence, the clinical significance of this alteration remains unclear.

NM_000051.4(ATM):c.6625T>C (p.Ser2209Pro)

Genes: ATM (ATM serine/threonine kinase; plus strand), C11orf65 (chromosome 11 open reading frame 65; minus strand). Cytogenetic location: 11q22.3.
Variant type: single nucleotide variant.
Coding change: c.6625T>C on transcript NM_000051.4 (MANE Select); coding-DNA position 6625, T replaced by C.
Protein change: p.Ser2209Pro; replaces serine 2209 with proline.
Molecular consequence: missense variant. On other transcripts: intron variant (2).
Genome position (GRCh38, 1-based): chr11:108,325,362, T>C. VCF-style: chr11-108325362-T-C. GRCh37 (hg19) VCF-style: chr11-108196089-T-C.
Other names: c.6625T>C, p.Ser2209Pro (NM_001351834.2); c.641-16291A>G (NM_001330368.2); c.*38+9858A>G (NM_001351110.2); short protein forms S2209P.
Identifiers: ClinVar variation 3222419 (VCV003222419.1), dbSNP rs2547200768, ClinGen allele CA382554760.